The following is an entry in ClinVar:

NM_001099922.3(ALG13):c.1003A>C (p.Lys335Gln)

Gene: ALG13 (ALG13 UDP-N-acetylglucosaminyltransferase subunit; plus strand). Cytogenetic location: Xq23.
Variant type: single nucleotide variant.
Coding change: c.1003A>C on transcript NM_001099922.3 (MANE Select); coding-DNA position 1003, A replaced by C.
Protein change: p.Lys335Gln; replaces lysine 335 with glutamine.
Molecular consequence: missense variant. On other transcripts: non-coding transcript variant (1).
Genome position (GRCh38, 1-based): chrX:111,713,295, A>C. VCF-style: chrX-111713295-A-C. GRCh37 (hg19) VCF-style: chrX-110956523-A-C.
Other names: c.691A>C, p.Lys231Gln (NM_001257230.2, NM_001257234.2, NM_001257237.2 and 1 more transcripts); c.769A>C, p.Lys257Gln (NM_001257231.2); c.1003A>C, p.Lys335Gln (NM_001324292.2); short protein forms K257Q, K231Q, K335Q.
Identifiers: ClinVar variation 2154366 (VCV002154366.5), dbSNP rs754059986, ClinGen allele CA10493636.
Genomic context (GRCh38, chrX:111,713,295, plus strand): 5'-ATTCTTTATCGCTTTCCTGGAAAACCTCCAACTTATGTCACAGATAATGGCTATGAAGAC[A>C]AGGTAAGAAGATGAGTGAATGTTGACTTATATAAAAGAAGTTGAATGATGCTTCTGGCTT-3'
Protein context (NP_001093392.1, residues 325-345): TYVTDNGYED[Lys335Gln]ILLCYSSSGH

ClinVar aggregate classification (germline): Uncertain significance. Review status: criteria provided, multiple submitters, no conflicts (2 of 4 stars). 2 submissions from 2 submitters: Uncertain significance (2). Last evaluated 2025-01-06.

Conditions:
ALG13-related disorder. Also called: ALG13-related condition.
Developmental and epileptic encephalopathy, 36 (DEE36). Also called: Epileptic encephalopathy, early infantile, 36; ALG13-CDG; Congenital disorder of glycosylation, type Is. Identifiers: Orphanet 324422, MedGen C4317295, MONDO:0010472, OMIM 300884.

Allele frequency attached by ClinVar (database versions not stated): gnomAD exomes below 0.00001; ExAC 0.00002.

Submissions (2):

Labcorp Genetics (formerly Invitae), Labcorp
Classification: Uncertain significance for Developmental and epileptic encephalopathy, 36. Last evaluated: 2025-01-06. Review status: criteria provided, single submitter. Criteria: Invitae Variant Classification Sherloc (09022015). Collection method: clinical testing. Allele origin: germline.
Comment: This sequence change replaces lysine, which is basic and polar, with glutamine, which is neutral and polar, at codon 335 of the ALG13 protein (p.Lys335Gln). This variant is present in population databases (rs754059986, gnomAD 0.008%). This variant has not been reported in the literature in individuals affected with ALG13-related conditions. ClinVar contains an entry for this variant (Variation ID: 2154366). Invitae Evidence Modeling of protein sequence and biophysical properties (such as structural, functional, and spatial information, amino acid conservation, physicochemical variation, residue mobility, and thermodynamic stability) has been performed for this missense variant. However, the output from this modeling did not meet the statistical confidence thresholds required to predict the impact of this variant on ALG13 protein function. In summary, the available evidence is currently insufficient to determine the role of this variant in disease. Therefore, it has been classified as a Variant of Uncertain Significance.

PreventionGenetics, part of Exact Sciences
Classification: Uncertain significance for ALG13-related condition. Last evaluated: 2023-02-12. Review status: criteria provided, single submitter. Criteria: ACMG Guidelines, 2015. Collection method: clinical testing. Allele origin: germline.
Comment: The ALG13 c.1003A>C variant is predicted to result in the amino acid substitution p.Lys335Gln. To our knowledge, this variant has not been reported in the literature. This variant is reported in 0.0080% of alleles in individuals of Latino descent in gnomAD. At this time, the clinical significance of this variant is uncertain due to the absence of conclusive functional and genetic evidence.